The following is an entry in ClinVar:

ClinVar aggregate classification (germline): Conflicting classifications of pathogenicity. Review status: criteria provided, conflicting classifications (1 of 4 stars). 4 submissions from 4 submitters: Uncertain significance (1); Benign (1); Likely benign (1). 1 of the submissions does not count toward it. Last evaluated 2025-12-25.

Conditions:
SYNE1-related disorder. Also called: SYNE1-related disease; SYNE1-related condition; SYNE1-related disorders.
Autosomal recessive ataxia, Beauce type. Also called: Spinocerebellar ataxia, autosomal recessive 8; ATAXIA, RECESSIVE, OF BEAUCE; SYNE1-Related Autosomal Recessive Cerebellar Ataxia; SYNE1 Deficiency. Identifiers: Orphanet 88644, MedGen C1853116, MONDO:0012549, OMIM 610743.
Emery-Dreifuss muscular dystrophy 4, autosomal dominant (EDMD4). Also called: EMERY-DREIFUSS MUSCULAR DYSTROPHY 4 WITH VARIABLE FEATURES. Identifiers: Orphanet 261, MedGen C2751807, MONDO:0013071, OMIM 612998.

Allele frequency attached by ClinVar (database versions not stated): gnomAD exomes 0.00012; ExAC 0.00015; gnomAD 0.00017 and 0.00019; TOPMed 0.00029; ESP Exome Variant Server 0.00038.
gnomAD v4.1: 91 of 1,613,996 alleles (0.0056%); highest among the groups gnomAD compares: African/African-American, 0.053%; no homozygotes.

Submissions (4):

Labcorp Genetics (formerly Invitae), Labcorp
Classification: Likely benign for Emery-Dreifuss muscular dystrophy 4, autosomal dominant; Autosomal recessive ataxia, Beauce type. Last evaluated: 2025-12-25. Review status: criteria provided, single submitter. Criteria: Invitae Variant Classification Sherloc (09022015). Collection method: clinical testing. Allele origin: germline.

Athena Diagnostics
Classification: Benign. Last evaluated: 2025-08-05. Review status: criteria provided, single submitter. Criteria: Athena Diagnostics Criteria. Collection method: clinical testing. Allele origin: unknown.
Comment: The frequency of this variant in the general population is higher than would generally be expected for pathogenic variants in this gene. Computational tools yielded predictions that this variant is unlikely to have an effect on normal RNA splicing. This nucleotide position exhibits low evolutionary conservation.

Eurofins Ntd Llc (ga)
Classification: Uncertain significance. Last evaluated: 2017-11-15. Review status: criteria provided, single submitter. Criteria: EGL Classification Definitions 2015. Collection method: clinical testing. Allele origin: germline. Observed: 3 variant alleles, 3 heterozygotes.

PreventionGenetics, part of Exact Sciences
Classification: Likely benign for SYNE1-related condition. Last evaluated: 2019-03-29. Review status: no assertion criteria provided. Collection method: clinical testing. Allele origin: germline. Not counted in ClinVar's aggregate classification.
Comment: This variant is classified as likely benign based on ACMG/AMP sequence variant interpretation guidelines (Richards et al. 2015 PMID: 25741868, with internal and published modifications).

NM_182961.4(SYNE1):c.18480C>T (p.Asp6160=)

Gene: SYNE1 (spectrin repeat containing nuclear envelope protein 1; minus strand). Cytogenetic location: 6q25.2.
Variant type: single nucleotide variant.
Coding change: c.18480C>T on transcript NM_182961.4 (MANE Select); coding-DNA position 18480, C replaced by T.
Protein change: p.Asp6160=; no amino-acid change (aspartic acid 6160 retained).
Molecular consequence: synonymous variant.
Genome position (GRCh38, 1-based): chr6:152,278,182, G>A on the plus strand (C>T on the coding strand, the complement: SYNE1 is on the minus strand). VCF-style: chr6-152278182-G-A. GRCh37 (hg19) VCF-style: chr6-152599317-G-A.
Other names: c.18480C>T (NM_182961.2); c.18267C>T, p.Asp6089= (NM_033071.5).
Identifiers: ClinVar variation 282193 (VCV000282193.19), dbSNP rs142251671, ClinGen allele CA4054970.